The following is an entry in ClinVar:

NM_002354.3(EPCAM):c.643T>A (p.Tyr215Asn)

Gene: EPCAM (epithelial cell adhesion molecule; plus strand). Cytogenetic location: 2p21.
Variant type: single nucleotide variant.
Coding change: c.643T>A on transcript NM_002354.3 (MANE Select); coding-DNA position 643, T replaced by A.
Protein change: p.Tyr215Asn; replaces tyrosine 215 with asparagine.
Molecular consequence: missense variant.
Genome position (GRCh38, 1-based): chr2:47,379,040, T>A. VCF-style: chr2-47379040-T-A. GRCh37 (hg19) VCF-style: chr2-47606179-T-A.
Other names: short protein forms Y215N.
Identifiers: ClinVar variation 220297 (VCV000220297.7), dbSNP rs750826481, ClinGen allele CA350627.

ClinVar aggregate classification (germline): Uncertain significance (1 of 4 stars; one submission).

Allele frequency attached by ClinVar (database versions not stated): TOPMed 0.00002; gnomAD 0.00001.
gnomAD v4.1: 38 of 1,577,104 alleles (0.0024%); highest among the groups gnomAD compares: Non-Finnish European, 0.0032%; no homozygotes.

Submission:

Labcorp Genetics (formerly Invitae), Labcorp
Classification: Uncertain significance. Last evaluated: 2015-09-19. Review status: criteria provided, single submitter. Criteria: Invitae Variant Classification Sherloc (09022015). Collection method: clinical testing. Allele origin: germline.
Comment: This variant is present in population databases (ExAC <0.01%) but has not been reported in the literature. This sequence change replaces tyrosine with asparagine at codon 215 of the EPCAM protein (p.Tyr215Asn). The tyrosine residue is highly conserved and there is a large physicochemical difference between tyrosine and asparagine. In summary, this is a rare missense change with uncertain impact on protein function. There is no indication that this variant causes disease, but the evidence is insufficient at this time to prove that conclusively. Therefore, it has been classified as a Variant of Uncertain Significance. Algorithms developed to predict the effect of missense changes on protein structure and function do not agree on the potential impact of this missense change (SIFT: "Deleterious"; PolyPhen-2: "Possibly Damaging"; Align-GVGD: "Class C15").